The following is an entry in ClinVar:

ClinVar aggregate classification (germline): Uncertain significance (1 of 4 stars; one submission).

Conditions:
Amyotrophic lateral sclerosis type 4 (ALS4). Also called: AMYOTROPHIC LATERAL SCLEROSIS 4, JUVENILE; NEURONOPATHY, DISTAL HEREDITARY MOTOR, WITH PYRAMIDAL FEATURES. Identifiers: Orphanet 357043, MedGen C1865409, MONDO:0011223, OMIM 602433.
Spinocerebellar ataxia, autosomal recessive, with axonal neuropathy 2 (SCAN2). Also called: ATAXIA-OCULOMOTOR APRAXIA 2; Ataxia with Oculomotor Apraxia Type 2; Ataxia-ocular apraxia-2; Ataxia with Oculomotor Apraxia. Identifiers: Orphanet 64753, MedGen C1853761, MONDO:0018996, OMIM 606002.

Submission:

Labcorp Genetics (formerly Invitae), Labcorp
Classification: Uncertain significance for Amyotrophic lateral sclerosis type 4; Spinocerebellar ataxia, autosomal recessive, with axonal neuropathy 2. Last evaluated: 2024-07-02. Review status: criteria provided, single submitter. Criteria: Invitae Variant Classification Sherloc (09022015). Collection method: clinical testing. Allele origin: germline.
Comment: This sequence change replaces threonine, which is neutral and polar, with proline, which is neutral and non-polar, at codon 1281 of the SETX protein (p.Thr1281Pro). This variant is not present in population databases (gnomAD no frequency). This variant has not been reported in the literature in individuals affected with SETX-related conditions. Advanced modeling of protein sequence and biophysical properties (such as structural, functional, and spatial information, amino acid conservation, physicochemical variation, residue mobility, and thermodynamic stability) performed at Invitae indicates that this missense variant is not expected to disrupt SETX protein function with a negative predictive value of 95%. In summary, the available evidence is currently insufficient to determine the role of this variant in disease. Therefore, it has been classified as a Variant of Uncertain Significance.

NM_015046.7(SETX):c.3841A>C (p.Thr1281Pro)

Gene: SETX (senataxin; minus strand). Cytogenetic location: 9q34.13.
Variant type: single nucleotide variant.
Coding change: c.3841A>C on transcript NM_015046.7 (MANE Select); coding-DNA position 3841, A replaced by C.
Protein change: p.Thr1281Pro; replaces threonine 1281 with proline.
Molecular consequence: missense variant.
Genome position (GRCh38, 1-based): chr9:132,327,757, T>G on the plus strand (A>C on the coding strand, the complement: SETX is on the minus strand). VCF-style: chr9-132327757-T-G. GRCh37 (hg19) VCF-style: chr9-135203144-T-G.
Other names: c.3841A>C, p.Thr1281Pro (NM_001351527.2, NM_001351528.2); short protein forms T1281P.
Identifiers: ClinVar variation 3753930 (VCV003753930.2).